The following is an entry in ClinVar:

ClinVar aggregate classification (germline): Pathogenic/Likely pathogenic. Review status: criteria provided, multiple submitters, no conflicts (2 of 4 stars). 4 submissions from 4 submitters: Pathogenic (3); Likely pathogenic (1). Last evaluated 2025-10-06.

Conditions:
Cardiomyopathy (CMYO). Also called: Cardiomyopathies. Identifiers: Orphanet 167848, MedGen C0878544, MONDO:0004994, HP:0001638. Inheritance: Various modes of inheritance.
Hypertrophic cardiomyopathy. Also called: HYPERTROPHIC MYOCARDIOPATHY. Identifiers: Orphanet 217569, MedGen C0007194, MeSH D002312, MONDO:0005045, HP:0001639.

Submissions (4):

Labcorp Genetics (formerly Invitae), Labcorp
Classification: Pathogenic for Hypertrophic cardiomyopathy. Last evaluated: 2025-10-06. Review status: criteria provided, single submitter. Criteria: Invitae Variant Classification Sherloc (09022015). Collection method: clinical testing. Allele origin: germline.
Comment: This sequence change creates a premature translational stop signal (p.Ser871Glnfs*13) in the MYBPC3 gene. It is expected to result in an absent or disrupted protein product. Loss-of-function variants in MYBPC3 are known to be pathogenic (PMID: 19574547). This variant is not present in population databases (gnomAD no frequency). This premature translational stop signal has been observed in individual(s) with hypertrophic cardiomyopathy, dilated cardiomyopathy (PMID: 25132132, 36252119). ClinVar contains an entry for this variant (Variation ID: 42646). For these reasons, this variant has been classified as Pathogenic.

Color Diagnostics, LLC DBA Color Health
Classification: Pathogenic for Cardiomyopathy. Last evaluated: 2025-01-13. Review status: criteria provided, single submitter. Criteria: ACMG Guidelines, 2015. Collection method: clinical testing. Allele origin: germline.
Comment: This variant inserts 1 nucleotide in exon 26 of the MYBPC3 gene, creating a frameshift and premature translation stop signal. This variant is expected to result in an absent or non-functional protein product. This variant has been reported in individuals affected with hypertrophic cardiomyopathy (PMID: 25132132, 25611685, 27532257, 30847666, 33495596, 33495597). It has also been reported in an infant affected with dilated cardiomyopathy who also carried an additional pathogenic truncation variant in the same gene (PMID: 36252119). This variant has not been identified in the general population by the Genome Aggregation Database (gnomAD). Loss of MYBPC3 function is a known mechanism of disease. Based on the available evidence, this variant is classified as Pathogenic.

Laboratory for Molecular Medicine, Mass General Brigham Personalized Medicine
Classification: Pathogenic for Hypertrophic cardiomyopathy. Last evaluated: 2017-08-08. Review status: criteria provided, single submitter. Criteria: LMM Criteria. Collection method: clinical testing. Allele origin: germline. Inheritance: Autosomal dominant inheritance. Observed: 1 variant allele.
Comment: proposed classification - variant undergoing re-assessment, contact laboratory

GeneDx
Classification: Likely pathogenic. Last evaluated: 2012-05-16. Review status: criteria provided, single submitter. Criteria: GeneDx Variant Classification (06012015). Collection method: clinical testing. Allele origin: germline. Affected: yes.
Comment: The c.2610dupC mutation in the MYBPC3 gene has not been reported previously in association with HCM or as a benign polymorphism to our knowledge. The c.2610dupC variant causes a shift in reading frame beginning with Serine codon 871, changing it to a Leucine, and creates a premature stop codon at position 13 of the new reading frame. This variant is expected to result in an abnormal, truncated protein or in absence of protein from this allele due to mRNA decay. Other frameshift variants in the MYBPC3 gene have been reported in association with HCM. In summary, c.2610dupC in the MYBPC3 gene is interpreted as a pathogenic variant.

Literature cited by the submitters: PubMed 19574547 (cited by Labcorp Genetics (formerly Invitae), Labcorp); PubMed 25132132 (cited by Labcorp Genetics (formerly Invitae), Labcorp and Color Diagnostics, LLC DBA Color Health); PubMed 36252119 (cited by Labcorp Genetics (formerly Invitae), Labcorp and Color Diagnostics, LLC DBA Color Health); PubMed 25611685 (cited by Color Diagnostics, LLC DBA Color Health); PubMed 27532257 (cited by Color Diagnostics, LLC DBA Color Health and Laboratory for Molecular Medicine, Mass General Brigham Personalized Medicine); PubMed 30847666 (cited by Color Diagnostics, LLC DBA Color Health); PubMed 33495596 (cited by Color Diagnostics, LLC DBA Color Health); PubMed 33495597 (cited by Color Diagnostics, LLC DBA Color Health).

NM_000256.3(MYBPC3):c.2610dup (p.Ser871fs)

Gene: MYBPC3 (myosin binding protein C3; minus strand). Cytogenetic location: 11p11.2.
Variant type: Duplication.
Coding change: c.2610dup on transcript NM_000256.3 (MANE Select); coding-DNA position 2610, one base duplicated (C; older notation c.2610dupC).
Protein change: p.Ser871fs; shifts the reading frame from serine 871.
Genome position (GRCh38, 1-based): chr11:47,336,004, G duplicated on the plus strand (C on the coding strand, the reverse complement: MYBPC3 is on the minus strand); the first of 6 consecutive G bases (chr11:47,336,004-47,336,009); duplicating any one gives the same sequence. VCF-style (leftmost placement, unchanged base first): chr11-47336003-T-TG. GRCh37 (hg19) VCF-style: chr11-47357554-T-TG.
Other names: p.Ser871GlnfsX13; c.2610dupC (NM_000256.3); short protein forms S871fs.
Identifiers: ClinVar variation 42646 (VCV000042646.8), dbSNP rs397515979, ClinGen allele CA012705.